The following is an entry in ClinVar:

ClinVar aggregate classification (germline): Uncertain significance (1 of 4 stars; one submission).

Conditions:
Inborn genetic diseases. Identifiers: MedGen C0950123, MeSH D030342.

Submission:

Ambry Genetics
Classification: Uncertain significance for Inborn genetic diseases. Last evaluated: 2022-03-30. Review status: criteria provided, single submitter. Criteria: Ambry Variant Classification Scheme 2023. Collection method: clinical testing. Allele origin: germline.
Comment: The p.R83C variant (also known as c.247C>T), located in coding exon 1 of the SMAD6 gene, results from a C to T substitution at nucleotide position 247. The arginine at codon 83 is replaced by cysteine, an amino acid with highly dissimilar properties. This amino acid position is conserved. In addition, this alteration is predicted to be tolerated by in silico analysis. Since supporting evidence is limited at this time, the clinical significance of this alteration remains unclear.

NM_005585.5(SMAD6):c.247C>T (p.Arg83Cys)

Gene: SMAD6 (SMAD family member 6; plus strand). Cytogenetic location: 15q22.31.
Variant type: single nucleotide variant.
Coding change: c.247C>T on transcript NM_005585.5 (MANE Select); coding-DNA position 247, C replaced by T.
Protein change: p.Arg83Cys; replaces arginine 83 with cysteine.
Molecular consequence: missense variant. On other transcripts: non-coding transcript variant (1).
Genome position (GRCh38, 1-based): chr15:66,703,505, C>T. VCF-style: chr15-66703505-C-T. GRCh37 (hg19) VCF-style: chr15-66995843-C-T.
Other names: short protein forms R83C.
Identifiers: ClinVar variation 1791891 (VCV001791891.2), dbSNP rs1301285133, ClinGen allele CA392949040.